The following is an entry in ClinVar:

ClinVar aggregate classification (germline): Uncertain significance (1 of 4 stars; one submission).

Submission:

Labcorp Genetics (formerly Invitae), Labcorp
Classification: Uncertain significance. Last evaluated: 2023-07-22. Review status: criteria provided, single submitter. Criteria: Invitae Variant Classification Sherloc (09022015). Collection method: clinical testing. Allele origin: germline.
Comment: This sequence change replaces glutamine, which is neutral and polar, with histidine, which is basic and polar, at codon 1330 of the LRP6 protein (p.Gln1330His). This variant is present in population databases (rs748299034, gnomAD 0.0009%). This variant has not been reported in the literature in individuals affected with LRP6-related conditions. An algorithm developed to predict the effect of missense changes on protein structure and function (PolyPhen-2) suggests that this variant is likely to be tolerated. In summary, the available evidence is currently insufficient to determine the role of this variant in disease. Therefore, it has been classified as a Variant of Uncertain Significance.

NM_002336.3(LRP6):c.3990G>C (p.Gln1330His)

Gene: LRP6 (LDL receptor related protein 6; minus strand). Cytogenetic location: 12p13.2.
Variant type: single nucleotide variant.
Coding change: c.3990G>C on transcript NM_002336.3 (MANE Select); coding-DNA position 3990, G replaced by C.
Protein change: p.Gln1330His; replaces glutamine 1330 with histidine.
Molecular consequence: missense variant. On other transcripts: non-coding transcript variant (1).
Genome position (GRCh38, 1-based): chr12:12,130,874, C>G on the plus strand (G>C on the coding strand, the complement: LRP6 is on the minus strand). VCF-style: chr12-12130874-C-G. GRCh37 (hg19) VCF-style: chr12-12283808-C-G.
Other names: c.4083G>C, p.Gln1361His (NM_001414244.1); c.3990G>C, p.Gln1330His (NM_001414245.1, NM_001414248.1, NM_001414249.1 and 1 more transcripts); c.3855G>C, p.Gln1285His (NM_001414246.1); c.3792G>C, p.Gln1264His (NM_001414247.1); c.3627G>C, p.Gln1209His (NM_001414251.1); c.3537G>C, p.Gln1179His (NM_001414252.1, NM_001414253.1, NM_001414254.1); c.3483G>C, p.Gln1161His (NM_001414255.1); short protein forms Q1161H, Q1209H, Q1264H, Q1285H, Q1179H, Q1330H, Q1361H.
Identifiers: ClinVar variation 2972603 (VCV002972603.3), dbSNP rs748299034, ClinGen allele CA6455066.
Genomic context (GRCh38, chr12:12,130,874, plus strand): 5'-ATCCACATTATGATCACACTTCTTGTGCTTTCCAATGCACTGACCATTGGCACAGCGGAA[C>G]TGATCAATTAAACAAAGCACTGGAAAAAAAACATAAATAGTTTCCTTATTTTTAATATCA-3'
Protein context (NP_002327.2, residues 1320-1340): KNCEVLCLID[Gln1330His]FRCANGQCIG